The following is an entry in ClinVar:

ClinVar aggregate classification (germline): Uncertain significance (1 of 4 stars; one submission).

Submission:

Labcorp Genetics (formerly Invitae), Labcorp
Classification: Uncertain significance. Last evaluated: 2025-04-10. Review status: criteria provided, single submitter. Criteria: Invitae Variant Classification Sherloc (09022015). Collection method: clinical testing. Allele origin: germline.
Comment: This sequence change replaces asparagine, which is neutral and polar, with threonine, which is neutral and polar, at codon 1225 of the SETBP1 protein (p.Asn1225Thr). This variant is not present in population databases (gnomAD no frequency). This variant has not been reported in the literature in individuals affected with SETBP1-related conditions. Invitae Evidence Modeling of protein sequence and biophysical properties (such as structural, functional, and spatial information, amino acid conservation, physicochemical variation, residue mobility, and thermodynamic stability) indicates that this missense variant is not expected to disrupt SETBP1 protein function with a negative predictive value of 80%. In summary, the available evidence is currently insufficient to determine the role of this variant in disease. Therefore, it has been classified as a Variant of Uncertain Significance.

NM_015559.3(SETBP1):c.3674A>C (p.Asn1225Thr)

Gene: SETBP1 (SET binding protein 1; plus strand). Cytogenetic location: 18q12.3.
Variant type: single nucleotide variant.
Coding change: c.3674A>C on transcript NM_015559.3 (MANE Select); coding-DNA position 3674, A replaced by C.
Protein change: p.Asn1225Thr; replaces asparagine 1225 with threonine.
Molecular consequence: missense variant.
Genome position (GRCh38, 1-based): chr18:44,953,014, A>C. VCF-style: chr18-44953014-A-C. GRCh37 (hg19) VCF-style: chr18-42532979-A-C.
Other names: c.3674A>C, p.Asn1225Thr (NM_001379141.1, NM_001379142.1, NM_001410862.1); short protein forms N1225T.
Identifiers: ClinVar variation 4745404 (VCV004745404.1).
Genomic context (GRCh38, chr18:44,953,014, plus strand): 5'-AGCATAAGGAGAAACAGAAGCACCAGCACAGCGAAGCCGGCCACAAAGCTTCTAAGAACA[A>C]CTTTGAGGTGGACACCCTGTCTACACTGTCACTTTCCGACGCCCAGCATTGGACACAGGC-3'
Protein context (NP_056374.2, residues 1215-1235): SEAGHKASKN[Asn1225Thr]FEVDTLSTLS